The following is an entry in ClinVar:

NM_201384.3(PLEC):c.5561_5587del (p.Ile1854_Glu1862del)

Gene: PLEC (plectin; minus strand). Cytogenetic location: 8q24.3.
Variant type: Deletion.
Coding change: c.5561_5587del on transcript NM_201384.3 (MANE Select); coding-DNA positions 5561 to 5587, 27 bases deleted (TCGCGCTCAAGGAGAAGGAGGCGGAGA).
Protein change: p.Ile1854_Glu1862del.
Molecular consequence: inframe deletion. On other transcripts: intron variant (1).
Genome position (GRCh38, 1-based): chr8:143,924,342-143,924,368, TCTCCGCCTCCTTCTCCTTGAGCGCGA deleted on the plus strand (TCGCGCTCAAGGAGAAGGAGGCGGAGA on the coding strand, the reverse complement: PLEC is on the minus strand); deleting any 27 consecutive bases within chr8:143,924,342-143,924,379 gives the same sequence; the c. name uses the placement nearest the transcript's 3' end. VCF-style (leftmost placement, unchanged base first): chr8-143924341-TTCTCCGCCTCCTTCTCCTTGAGCGCGA-T. GRCh37 (hg19) VCF-style: chr8-144998509-TTCTCCGCCTCCTTCTCCTTGAGCGCGA-T.
Other names: c.5642_5668del, p.Ile1881_Glu1889del (NM_000445.5); c.5519_5545del, p.Ile1840_Glu1848del (NM_201378.4); c.5495_5521del, p.Ile1832_Glu1840del (NM_201379.3); c.5972_5998del, p.Ile1991_Glu1999del (NM_201380.4); c.5465_5491del, p.Ile1822_Glu1830del (NM_201381.3); c.5561_5587del, p.Ile1854_Glu1862del (NM_201382.4); c.5573_5599del, p.Ile1858_Glu1866del (NM_201383.3); c.4126-1973_4126-1947del (NM_001410941.1).
Identifiers: ClinVar variation 3748959 (VCV003748959.2).

ClinVar aggregate classification (germline): Uncertain significance (1 of 4 stars; one submission).

Conditions:
Epidermolysis bullosa simplex with nail dystrophy (EBS5D). Identifiers: MedGen C4225309, MONDO:0014661, OMIM 616487.
Autosomal recessive limb-girdle muscular dystrophy type 2Q (LGMDR17). Also called: MUSCULAR DYSTROPHY, LIMB-GIRDLE, AUTOSOMAL RECESSIVE 17. Identifiers: Orphanet 254361, MedGen C3150989, MONDO:0013390, OMIM 613723.
Epidermolysis bullosa simplex 5B, with muscular dystrophy (EBS5B). Also called: Epidermolysis bullosa simplex with muscular dystrophy; EPIDERMOLYSIS BULLOSA SIMPLEX AND LIMB-GIRDLE MUSCULAR DYSTROPHY. Identifiers: Orphanet 257, MedGen C2931072, MONDO:0009181, OMIM 226670.
Epidermolysis bullosa simplex 5C, with pyloric atresia (EBS5C). Also called: PLEC-Related Epidermolysis Bullosa with Pyloric Atresia; Epidermolysis bullosa simplex with pyloric atresia; PLEC1-Related Epidermolysis Bullosa with Pyloric Atresia. Identifiers: Orphanet 158684, MedGen C2677349, MONDO:0012807, OMIM 612138.
Epidermolysis bullosa simplex, Ogna type (EBS5A). Also called: Pidermolysis bullosa simplex 5A, Ogna type; EPIDERMOLYSIS BULLOSA SIMPLEX 5A, OGNA TYPE. Identifiers: Orphanet 79401, MedGen C0432317, MONDO:0007555, OMIM 131950.

Submission:

Labcorp Genetics (formerly Invitae), Labcorp
Classification: Uncertain significance for Autosomal recessive limb-girdle muscular dystrophy type 2Q; Epidermolysis bullosa simplex, Ogna type; Epidermolysis bullosa simplex with nail dystrophy; Epidermolysis bullosa simplex 5C, with pyloric atresia; Epidermolysis bullosa simplex 5B, with muscular dystrophy. Last evaluated: 2024-11-30. Review status: criteria provided, single submitter. Criteria: Invitae Variant Classification Sherloc (09022015). Collection method: clinical testing. Allele origin: germline.
Comment: This variant, c.5642_5668del, results in the deletion of 9 amino acid(s) of the PLEC protein (p.Ile1881_Glu1889del), but otherwise preserves the integrity of the reading frame. This variant is not present in population databases (gnomAD no frequency). This variant has not been reported in the literature in individuals affected with PLEC-related conditions. Experimental studies and prediction algorithms are not available or were not evaluated, and the functional significance of this variant is currently unknown. In summary, the available evidence is currently insufficient to determine the role of this variant in disease. Therefore, it has been classified as a Variant of Uncertain Significance.